The following is an entry in ClinVar:

ClinVar aggregate classification (germline): Likely benign (1 of 4 stars; one submission).

gnomAD v4.1: 8 of 1,587,894 alleles (0.0005%); highest among the groups gnomAD compares: Admixed American, 0.012%; no homozygotes.

Submission:

CeGaT Center for Human Genetics Tuebingen
Classification: Likely benign. Last evaluated: 2025-09-01. Review status: criteria provided, single submitter. Criteria: CeGaT Center For Human Genetics Tuebingen Variant Classification Criteria Version 2. Collection method: clinical testing. Allele origin: germline. Affected: yes. Observed: 1 variant allele.
Comment: CDC42BPB: BP4, BP7

NM_006035.4(CDC42BPB):c.3180C>G (p.Ser1060=)

Gene: CDC42BPB (CDC42 binding protein kinase beta; minus strand). Cytogenetic location: 14q32.32.
Variant type: single nucleotide variant.
Coding change: c.3180C>G on transcript NM_006035.4 (MANE Select); coding-DNA position 3180, C replaced by G.
Protein change: p.Ser1060=; no amino-acid change (serine 1060 retained).
Molecular consequence: synonymous variant.
Genome position (GRCh38, 1-based): chr14:102,950,595, G>C on the plus strand (C>G on the coding strand, the complement: CDC42BPB is on the minus strand). VCF-style: chr14-102950595-G-C. GRCh37 (hg19) VCF-style: chr14-103416932-G-C.
Other names: c.3102C>G, p.Ser1034= (NM_001411054.1).
Identifiers: ClinVar variation 4534814 (VCV004534814.6).
Genomic context (GRCh38, chr14:102,950,595, plus strand): 5'-CTCGGGAGGTATTGGGCACACCTGGGGGGCACCGTCTTTGCAGGACACGTGGCAAGCAAA[G>C]GAACACACTGGAAGAGAGCAAGAACACTGCCTTCAAAGCTTGCTGCCTACAGAGAAGTCA-3'
Protein context (NP_006026.3, residues 1050-1070): IRQGYACEVC[Ser1060=]FACHVSCKDG